The following is an entry in ClinVar:

NM_152564.5(VPS13B):c.763-4G>A

Gene: VPS13B (vacuolar protein sorting 13 homolog B; plus strand). Cytogenetic location: 8q22.2.
Variant type: single nucleotide variant.
Coding change: c.763-4G>A on transcript NM_152564.5 (MANE Select); 4 bases into the intron before coding-DNA position 763, G replaced by A.
Molecular consequence: intron variant.
Genome position (GRCh38, 1-based): chr8:99,115,696, G>A. VCF-style: chr8-99115696-G-A. GRCh37 (hg19) VCF-style: chr8-100127924-G-A.
Other names: c.763-4G>A (NM_017890.5, NM_015243.3, NM_181661.3).
Identifiers: ClinVar variation 4994974 (VCV004994974.1).

ClinVar aggregate classification (germline): Likely benign (1 of 4 stars; one submission).

Conditions:
VPS13B-related disorder. Also called: VPS13B-related condition.

Submission:

PreventionGenetics, part of Exact Sciences
Classification: Likely benign for VPS13B-related condition. Last evaluated: 2025-12-03. Review status: criteria provided, single submitter. Criteria: ACMG Guidelines, 2015. Collection method: clinical testing. Allele origin: germline.
Comment: This variant is classified as likely benign based on ACMG/AMP sequence variant interpretation guidelines (Richards et al. 2015 PMID: 25741868, with internal and published modifications).